The following is an entry in ClinVar:

ClinVar aggregate classification (germline): Uncertain significance (1 of 4 stars; one submission).

Allele frequency attached by ClinVar (database versions not stated): gnomAD exomes below 0.00001.
gnomAD v4.1: 1 of 1,613,106 alleles (0.000062%); highest among the groups gnomAD compares: Non-Finnish European, 0.000085%; no homozygotes.

Submission:

Ambry Genetics
Classification: Uncertain significance. Last evaluated: 2023-10-06. Review status: criteria provided, single submitter. Criteria: Ambry Variant Classification Scheme 2023. Collection method: clinical testing. Allele origin: germline.
Comment: The p.G436R variant (also known as c.1306G>C), located in coding exon 10 of the RECQL gene, results from a G to C substitution at nucleotide position 1306. The glycine at codon 436 is replaced by arginine, an amino acid with dissimilar properties. This amino acid position is highly conserved in available vertebrate species. In addition, this alteration is predicted to be deleterious by in silico analysis. Since supporting evidence is limited at this time, the clinical significance of this alteration remains unclear.

NM_002907.4(RECQL):c.1306G>C (p.Gly436Arg)

Gene: RECQL (RecQ like helicase; minus strand). Cytogenetic location: 12p12.1.
Variant type: single nucleotide variant.
Coding change: c.1306G>C on transcript NM_002907.4 (MANE Select); coding-DNA position 1306, G replaced by C.
Protein change: p.Gly436Arg; replaces glycine 436 with arginine.
Molecular consequence: missense variant.
Genome position (GRCh38, 1-based): chr12:21,474,890, C>G on the plus strand (G>C on the coding strand, the complement: RECQL is on the minus strand). VCF-style: chr12-21474890-C-G. GRCh37 (hg19) VCF-style: chr12-21627824-C-G.
Other names: c.1306G>C, p.Gly436Arg (NM_032941.3); short protein forms G436R.
Identifiers: ClinVar variation 1769530 (VCV001769530.2), dbSNP rs1565563960, ClinGen allele CA384118372.